The following is an entry in ClinVar:

ClinVar aggregate classification (germline): Likely pathogenic (1 of 4 stars; one submission).

Conditions:
Left ventricular noncompaction 10 (LVNC10). Identifiers: Orphanet 154, Orphanet 54260, MedGen C3715165, MONDO:0014163, OMIM 615396.
Hypertrophic cardiomyopathy 4. Also called: Familial hypertrophic cardiomyopathy 4. Identifiers: MedGen C1861862, MONDO:0007268, OMIM 115197.

Submission:

Juno Genomics, Hangzhou Juno Genomics, Inc
Classification: Likely pathogenic for Left ventricular noncompaction 10; Hypertrophic cardiomyopathy 4. Review status: criteria provided, single submitter. Criteria: ACMG Guidelines, 2015. Collection method: clinical testing. Allele origin: germline.
Comment: Null variant in a gene where loss of function (LOF) is a known mechanism of disease.;Absent from controls (or at extremely low frequency if recessive) in Genome Aggregation Database.

NM_000256.3(MYBPC3):c.15del (p.Lys6fs)

Gene: MYBPC3 (myosin binding protein C3; minus strand). Cytogenetic location: 11p11.2.
Variant type: Deletion.
Coding change: c.15del on transcript NM_000256.3 (MANE Select); coding-DNA position 15, one base deleted (G; older notation c.15delG).
Protein change: p.Lys6fs; shifts the reading frame from lysine 6.
Molecular consequence: frameshift variant.
Genome position (GRCh38, 1-based): chr11:47,352,633, C deleted on the plus strand (G on the coding strand, the reverse complement: MYBPC3 is on the minus strand); the first of 4 consecutive C bases (chr11:47,352,633-47,352,636); deleting any one gives the same sequence. VCF-style (leftmost placement, unchanged base first): chr11-47352632-TC-T. GRCh37 (hg19) VCF-style: chr11-47374183-TC-T.
Other names: short protein forms K6fs.
Identifiers: ClinVar variation 5007877 (VCV005007877.2).